The following is an entry in ClinVar:

ClinVar aggregate classification (germline): Likely benign. Review status: criteria provided, multiple submitters, no conflicts (2 of 4 stars). 2 submissions from 2 submitters: Likely benign (2). Last evaluated 2025-07-15.

Conditions:
RYR1-related disorder. Also called: RYR1-related disorders; RYR1-related condition. Identifiers: MedGen CN239331.
Malignant hyperthermia, susceptibility to, 1 (MHS1). Also called: RYR1-Related Malignant Hyperthermia Susceptibility; Malignant hyperthermia suceptibility 1; Anesthesia related hyperthermia; Malignant hyperpyrexia; Fulminating hyperpyrexia; Pharmacogenic myopathy. Identifiers: Orphanet 423, MedGen C2930980, MONDO:0007783, OMIM 145600.

Allele frequency attached by ClinVar (database versions not stated): gnomAD exomes below 0.00001; TOPMed below 0.00001; ExAC 0.00001; ESP Exome Variant Server 0.00008.

Submissions (2):

Labcorp Genetics (formerly Invitae), Labcorp
Classification: Likely benign for RYR1-related disorder. Last evaluated: 2025-07-15. Review status: criteria provided, single submitter. Criteria: Invitae Variant Classification Sherloc (09022015). Collection method: clinical testing. Allele origin: germline.

All of Us Research Program, National Institutes of Health
Classification: Likely benign for Malignant hyperthermia, susceptibility to, 1. Last evaluated: 2023-04-03. Review status: criteria provided, single submitter. Criteria: ACMG Guidelines, 2015. Collection method: clinical testing. Allele origin: germline. Inheritance: Autosomal dominant inheritance. Observed: 1 variant allele, 1 heterozygote.
Comment: This study involves interpretation of variants in research participants for the purpose of population health screening. Participant phenotype was not available at the time of variant classification. Additional details can be found in publication PMID: 35346344, PMCID: PMC8962531

NM_000540.3(RYR1):c.632-10del

Gene: RYR1 (ryanodine receptor 1; plus strand). Cytogenetic location: 19q13.2.
Variant type: Deletion.
Coding change: c.632-10del on transcript NM_000540.3 (MANE Select); 10 bases into the intron before coding-DNA position 632, one base deleted (T; older notation c.632-10delT).
Molecular consequence: intron variant.
Genome position (GRCh38, 1-based): chr19:38,446,462, T deleted. VCF-style (leftmost placement, unchanged base first): chr19-38446461-CT-C. GRCh37 (hg19) VCF-style: chr19-38937101-CT-C.
Other names: c.632-10del (NM_001042723.2).
Identifiers: ClinVar variation 2018269 (VCV002018269.5), dbSNP rs750710176, ClinGen allele CA068071.